The following is an entry in ClinVar:

ClinVar aggregate classification (germline): Likely benign (0 of 4 stars; one submission).

Conditions:
TRAP1-related disorder. Also called: TRAP1-related condition.

gnomAD v4.1: 81 of 1,612,528 alleles (0.005%); highest among the groups gnomAD compares: Admixed American, 0.059%; no homozygotes.

Submission:

PreventionGenetics, part of Exact Sciences
Classification: Likely benign for TRAP1-related condition. Last evaluated: 2024-09-13. Review status: no assertion criteria provided. Collection method: clinical testing. Allele origin: germline.
Comment: This variant is classified as likely benign based on ACMG/AMP sequence variant interpretation guidelines (Richards et al. 2015 PMID: 25741868, with internal and published modifications).

NM_016292.3(TRAP1):c.1086C>T (p.Ser362=)

Gene: TRAP1 (TNF receptor associated protein 1; minus strand). Cytogenetic location: 16p13.3.
Variant type: single nucleotide variant.
Coding change: c.1086C>T on transcript NM_016292.3 (MANE Select); coding-DNA position 1086, C replaced by T.
Protein change: p.Ser362=; no amino-acid change (serine 362 retained).
Molecular consequence: synonymous variant.
Genome position (GRCh38, 1-based): chr16:3,672,779, G>A on the plus strand (C>T on the coding strand, the complement: TRAP1 is on the minus strand). VCF-style: chr16-3672779-G-A. GRCh37 (hg19) VCF-style: chr16-3722780-G-A.
Other names: c.927C>T, p.Ser309= (NM_001272049.2).
Identifiers: ClinVar variation 3352366 (VCV003352366.1).
Genomic context (GRCh38, chr16:3,672,779, plus strand): 5'-CTTGGGCAGGATGTCCGTGGCCTTGGTCTGGATGAGGACTTTGCGGCTGTACAGTGCAAC[G>A]CTGGAGCCCAGCTCCCGGCTCACATCAAACATGGACGGTTTCTGGGGGTGAGGAGAACAC-3'
Protein context (NP_057376.2, residues 352-372): MFDVSRELGS[Ser362=]VALYSRKVLI